The following is an entry in ClinVar:

NM_005477.3(HCN4):c.3341C>T (p.Ala1114Val)

Gene: HCN4 (hyperpolarization activated cyclic nucleotide gated potassium channel 4; minus strand). Cytogenetic location: 15q24.1.
Variant type: single nucleotide variant.
Coding change: c.3341C>T on transcript NM_005477.3 (MANE Select); coding-DNA position 3341, C replaced by T.
Protein change: p.Ala1114Val; replaces alanine 1114 with valine.
Molecular consequence: missense variant.
Genome position (GRCh38, 1-based): chr15:73,322,752, G>A on the plus strand (C>T on the coding strand, the complement: HCN4 is on the minus strand). VCF-style: chr15-73322752-G-A. GRCh37 (hg19) VCF-style: chr15-73615093-G-A.
Other names: short protein forms A1114V.
Identifiers: ClinVar variation 1730421 (VCV001730421.2), dbSNP rs373344096, ClinGen allele CA7648845.

ClinVar aggregate classification (germline): Uncertain significance (1 of 4 stars; one submission).

Conditions:
Cardiovascular phenotype. Identifiers: MedGen CN230736.

Allele frequency attached by ClinVar (database versions not stated): ExAC 0.00005; ESP Exome Variant Server 0.00008.

Submission:

Ambry Genetics
Classification: Uncertain significance for Cardiovascular phenotype. Last evaluated: 2022-03-09. Review status: criteria provided, single submitter. Criteria: Ambry Variant Classification Scheme 2023. Collection method: clinical testing. Allele origin: germline.
Comment: The p.A1114V variant (also known as c.3341C>T), located in coding exon 8 of the HCN4 gene, results from a C to T substitution at nucleotide position 3341. The alanine at codon 1114 is replaced by valine, an amino acid with similar properties. This amino acid position is conserved. In addition, the in silico prediction for this alteration is inconclusive. Since supporting evidence is limited at this time, the clinical significance of this alteration remains unclear.